The following is an entry in ClinVar:

ClinVar aggregate classification (germline): Uncertain significance (1 of 4 stars; one submission).

Conditions:
Cardiovascular phenotype. Identifiers: MedGen CN230736.

gnomAD v4.1: 15 of 1,549,758 alleles (0.00097%); highest among the groups gnomAD compares: East Asian, 0.015%; no homozygotes.

Submission:

Ambry Genetics
Classification: Uncertain significance for Cardiovascular phenotype. Last evaluated: 2023-10-19. Review status: criteria provided, single submitter. Criteria: Ambry Variant Classification Scheme 2023. Collection method: clinical testing. Allele origin: germline.
Comment: The p.R2468P variant (also known as c.7403G>C), located in coding exon 2 of the ZNF469 gene, results from a G to C substitution at nucleotide position 7403. The arginine at codon 2468 is replaced by proline, an amino acid with dissimilar properties. This amino acid position is conserved. In addition, this alteration is predicted to be tolerated by in silico analysis. Since supporting evidence is limited at this time, the clinical significance of this alteration remains unclear.

NM_001367624.2(ZNF469):c.7487G>C (p.Arg2496Pro)

Gene: ZNF469 (zinc finger protein 469; plus strand). Cytogenetic location: 16q24.2.
Variant type: single nucleotide variant.
Coding change: c.7487G>C on transcript NM_001367624.2 (MANE Select); coding-DNA position 7487, G replaced by C.
Protein change: p.Arg2496Pro; replaces arginine 2496 with proline.
Molecular consequence: missense variant.
Genome position (GRCh38, 1-based): chr16:88,434,957, G>C. VCF-style: chr16-88434957-G-C. GRCh37 (hg19) VCF-style: chr16-88501365-G-C.
Other names: NM_001127464.1:c.7403G>C; short protein forms R2496P.
Identifiers: ClinVar variation 3232854 (VCV003232854.1), dbSNP rs878852985, ClinGen allele CA286382762.